The following is an entry in ClinVar:

NM_004304.5(ALK):c.2541G>T (p.Arg847Ser)

Gene: ALK (ALK receptor tyrosine kinase; minus strand). Cytogenetic location: 2p23.2.
Variant type: single nucleotide variant.
Coding change: c.2541G>T on transcript NM_004304.5 (MANE Select); coding-DNA position 2541, G replaced by T.
Protein change: p.Arg847Ser; replaces arginine 847 with serine.
Molecular consequence: missense variant.
Genome position (GRCh38, 1-based): chr2:29,232,395, C>A on the plus strand (G>T on the coding strand, the complement: ALK is on the minus strand). VCF-style: chr2-29232395-C-A. GRCh37 (hg19) VCF-style: chr2-29455261-C-A.
Other names: short protein forms R847S.
Identifiers: ClinVar variation 4767647 (VCV004767647.1).

ClinVar aggregate classification (germline): Uncertain significance (1 of 4 stars; one submission).

Conditions:
Neuroblastoma, susceptibility to, 3. Also called: ALK-Related Neuroblastic Tumor Susceptibility. Identifiers: Orphanet 635, MedGen C2751681, MONDO:0013083, OMIM 613014.

Submission:

Labcorp Genetics (formerly Invitae), Labcorp
Classification: Uncertain significance for Neuroblastoma, susceptibility to, 3. Last evaluated: 2025-10-07. Review status: criteria provided, single submitter. Criteria: Invitae Variant Classification Sherloc (09022015). Collection method: clinical testing. Allele origin: germline.
Comment: This sequence change replaces arginine, which is basic and polar, with serine, which is neutral and polar, at codon 847 of the ALK protein (p.Arg847Ser). This variant is present in population databases (no rsID available, gnomAD 0.003%). This variant has not been reported in the literature in individuals affected with ALK-related conditions. An algorithm developed to predict the effect of missense changes on protein structure and function (PolyPhen-2) suggests that this variant is likely to be disruptive. In summary, the available evidence is currently insufficient to determine the role of this variant in disease. Therefore, it has been classified as a Variant of Uncertain Significance.